The following is an entry in ClinVar:

ClinVar aggregate classification (germline): Uncertain significance. Review status: criteria provided, multiple submitters, no conflicts (2 of 4 stars). 2 submissions from 2 submitters: Uncertain significance (2). Last evaluated 2019-06-04.

Conditions:
Hereditary cancer-predisposing syndrome. Also called: Hereditary neoplastic syndrome; Neoplastic Syndromes, Hereditary; Tumor predisposition; Hereditary Cancer Syndrome. Identifiers: Orphanet 140162, MedGen C0027672, MeSH D009386, MONDO:0015356.
Ataxia-telangiectasia syndrome (AT). Also called: LOUIS-BAR SYNDROME; Cerebello-oculocutaneous telangiectasia; Immunodeficiency with ataxia telangiectasia; AT, COMPLEMENTATION GROUP C; Ataxia-telangiectasia, complementation group D; ATAXIA-TELANGIECTASIA, COMPLEMENTATION GROUP A. Identifiers: Orphanet 100, MedGen C0004135, MONDO:0008840, OMIM 208900.

Allele frequency attached by ClinVar (database versions not stated): gnomAD exomes below 0.00001; TOPMed below 0.00001.
gnomAD v4.1: 2 of 1,613,886 alleles (0.00012%); highest among the groups gnomAD compares: Non-Finnish European, 0.00017%; no homozygotes.

Submissions (2):

Labcorp Genetics (formerly Invitae), Labcorp
Classification: Uncertain significance for Ataxia-telangiectasia syndrome. Last evaluated: 2019-06-04. Review status: criteria provided, single submitter. Criteria: Invitae Variant Classification Sherloc (09022015). Collection method: clinical testing. Allele origin: germline.
Comment: This sequence change replaces glutamic acid with lysine at codon 1664 of the ATM protein (p.Glu1664Lys). The glutamic acid residue is moderately conserved and there is a small physicochemical difference between glutamic acid and lysine. This variant is not present in population databases (ExAC no frequency). This variant has not been reported in the literature in individuals with ATM-related conditions. ClinVar contains an entry for this variant (Variation ID: 481063). Algorithms developed to predict the effect of missense changes on protein structure and function are either unavailable or do not agree on the potential impact of this missense change (SIFT: "Tolerated"; PolyPhen-2: "Possibly Damaging"; Align-GVGD: "Class C0"). In summary, the available evidence is currently insufficient to determine the role of this variant in disease. Therefore, it has been classified as a Variant of Uncertain Significance.

Ambry Genetics
Classification: Uncertain significance for Hereditary cancer-predisposing syndrome. Last evaluated: 2016-05-20. Review status: criteria provided, single submitter. Criteria: Ambry Variant Classification Scheme 2023. Collection method: clinical testing. Allele origin: germline.
Comment: The p.E1664K variant (also known as c.4990G>A), located in coding exon 32 of the ATM gene, results from a G to A substitution at nucleotide position 4990. The glutamic acid at codon 1664 is replaced by lysine, an amino acid with similar properties. This variant was not reported in population based cohorts in the following databases: Database of Single Nucleotide Polymorphisms (dbSNP), NHLBI Exome Sequencing Project (ESP), and 1000 Genomes Project. In the ESP, this variant was not observed in 6499 samples (12998 alleles) with coverage at this position. To date, this alteration has been detected with an allele frequency of approximately 0.001% (greater than 180000 alleles tested) in our clinical cohort. This amino acid position is highly conserved through mammals but not in all available vertebrate species. In addition, the in silico prediction for this alteration is inconclusive. Since supporting evidence is limited at this time, the clinical significance of this alteration remains unclear.

NM_000051.4(ATM):c.4990G>A (p.Glu1664Lys)

Gene: ATM (ATM serine/threonine kinase; plus strand). Cytogenetic location: 11q22.3.
Variant type: single nucleotide variant.
Coding change: c.4990G>A on transcript NM_000051.4 (MANE Select); coding-DNA position 4990, G replaced by A.
Protein change: p.Glu1664Lys; replaces glutamic acid 1664 with lysine.
Molecular consequence: missense variant.
Genome position (GRCh38, 1-based): chr11:108,297,367, G>A. VCF-style: chr11-108297367-G-A. GRCh37 (hg19) VCF-style: chr11-108168094-G-A.
Other names: c.4990G>A, p.Glu1664Lys (NM_001351834.2); short protein forms E1664K.
Identifiers: ClinVar variation 481063 (VCV000481063.14), dbSNP rs1555103301, ClinGen allele CA382538519.
Genomic context (GRCh38, chr11:108,297,367, plus strand): 5'-ATGGTGAAACTAGTTGTCAATTTGTTGCAGTTATCCAAGATGGCAATAAACCACACTGGT[G>A]AAAAAGAAGTTCTAGGTAAACTACAGTCATGCGCTGCGTGACATTTCAGTCAACTGCGGA-3'
Protein context (NP_000042.3, residues 1654-1674): LSKMAINHTG[Glu1664Lys]KEVLEAVGSC